The following is an entry in ClinVar:

NM_001972.4(ELANE):c.589G>A (p.Val197Ile)

Gene: ELANE (elastase, neutrophil expressed; plus strand). Cytogenetic location: 19p13.3.
Variant type: single nucleotide variant.
Coding change: c.589G>A on transcript NM_001972.4 (MANE Select); coding-DNA position 589, G replaced by A.
Protein change: p.Val197Ile; replaces valine 197 with isoleucine.
Molecular consequence: missense variant.
Genome position (GRCh38, 1-based): chr19:855,786, G>A. VCF-style: chr19-855786-G-A. GRCh37 (hg19) VCF-style: chr19-855786-G-A.
Other names: c.589G>A (LRG_57t1); short protein forms V197I.
Identifiers: ClinVar variation 644303 (VCV000644303.12), dbSNP rs1471191879, ClinGen allele CA402918770.

ClinVar aggregate classification (germline): Conflicting classifications of pathogenicity. Review status: criteria provided, conflicting classifications (1 of 4 stars). 2 submissions from 2 submitters: Uncertain significance (1); Likely benign (1). Last evaluated 2025-11-24.

Conditions:
Neutropenia, severe congenital, 1, autosomal dominant. Identifiers: MedGen C1859966, MONDO:0042490, OMIM 202700.
Cyclical neutropenia. Also called: Cyclic hematopoiesis; Cyclic Neutropenia. Identifiers: Orphanet 2686, MedGen C0221023, MONDO:0008090, OMIM 162800, HP:0040289. Disease mechanism: loss of function.
Inborn genetic diseases. Identifiers: MedGen C0950123, MeSH D030342.

Allele frequency attached by ClinVar (database versions not stated): gnomAD exomes 0.00001.
gnomAD v4.1: 4 of 1,608,510 alleles (0.00025%); highest among the groups gnomAD compares: East Asian, 0.0022%; no homozygotes.

Submissions (2):

Labcorp Genetics (formerly Invitae), Labcorp
Classification: Uncertain significance for Neutropenia, severe congenital, 1, autosomal dominant; Cyclical neutropenia. Last evaluated: 2025-11-24. Review status: criteria provided, single submitter. Criteria: Invitae Variant Classification Sherloc (09022015). Collection method: clinical testing. Allele origin: germline.
Comment: This sequence change replaces valine, which is neutral and non-polar, with isoleucine, which is neutral and non-polar, at codon 197 of the ELANE protein (p.Val197Ile). This variant is not present in population databases (gnomAD no frequency). This variant has not been reported in the literature in individuals affected with ELANE-related conditions. ClinVar contains an entry for this variant (Variation ID: 644303). Invitae Evidence Modeling of protein sequence and biophysical properties (such as structural, functional, and spatial information, amino acid conservation, physicochemical variation, residue mobility, and thermodynamic stability) indicates that this missense variant is not expected to disrupt ELANE protein function with a negative predictive value of 95%. In summary, the available evidence is currently insufficient to determine the role of this variant in disease. Therefore, it has been classified as a Variant of Uncertain Significance.

Ambry Genetics
Classification: Likely benign for Inborn genetic diseases. Last evaluated: 2025-02-03. Review status: criteria provided, single submitter. Criteria: Ambry Variant Classification Scheme 2023. Collection method: clinical testing. Allele origin: germline.